The following is an entry in ClinVar:

ClinVar aggregate classification (germline): Likely benign (1 of 4 stars; one submission).

Allele frequency attached by ClinVar (database versions not stated): ExAC 0.00003; gnomAD exomes 0.00003; gnomAD 0.00004; TOPMed 0.00006; 1000 Genomes Project 30x 0.00016; 1000 Genomes Project 0.00020.
gnomAD v4.1: 50 of 1,614,090 alleles (0.0031%); highest among the groups gnomAD compares: Middle Eastern, 0.049%; no homozygotes.

Submission:

CeGaT Center for Human Genetics Tuebingen
Classification: Likely benign. Last evaluated: 2022-06-01. Review status: criteria provided, single submitter. Criteria: CeGaT Center For Human Genetics Tuebingen Variant Classification Criteria Version 2. Collection method: clinical testing. Allele origin: germline. Affected: yes. Observed: 1 variant allele.
Comment: CPB1: BP4, BP7

NM_001871.3(CPB1):c.396C>T (p.Val132=)

Gene: CPB1 (carboxypeptidase B1; plus strand). Cytogenetic location: 3q24.
Variant type: single nucleotide variant.
Coding change: c.396C>T on transcript NM_001871.3 (MANE Select); coding-DNA position 396, C replaced by T.
Protein change: p.Val132=; no amino-acid change (valine 132 retained).
Molecular consequence: synonymous variant.
Genome position (GRCh38, 1-based): chr3:148,840,897, C>T. VCF-style: chr3-148840897-C-T. GRCh37 (hg19) VCF-style: chr3-148558684-C-T.
Identifiers: ClinVar variation 2654210 (VCV002654210.24), dbSNP rs189467346, ClinGen allele CA2657620.